The following is an entry in ClinVar:

NM_001271.4(CHD2):c.4127G>A (p.Gly1376Glu)

Gene: CHD2 (chromodomain helicase DNA binding protein 2; plus strand). Cytogenetic location: 15q26.1.
Variant type: single nucleotide variant.
Coding change: c.4127G>A on transcript NM_001271.4 (MANE Select); coding-DNA position 4127, G replaced by A.
Protein change: p.Gly1376Glu; replaces glycine 1376 with glutamic acid.
Molecular consequence: missense variant.
Genome position (GRCh38, 1-based): chr15:93,000,630, G>A. VCF-style: chr15-93000630-G-A. GRCh37 (hg19) VCF-style: chr15-93543860-G-A.
Other names: short protein forms G1376E.
Identifiers: ClinVar variation 2442414 (VCV002442414.1), dbSNP rs2505599514, ClinGen allele CA393900550.

ClinVar aggregate classification (germline): Uncertain significance (1 of 4 stars; one submission).

Submission:

GeneDx
Classification: Uncertain significance. Last evaluated: 2022-09-02. Review status: criteria provided, single submitter. Criteria: GeneDx Variant Classification Process June 2021. Collection method: clinical testing. Allele origin: germline. Affected: yes.
Comment: Not observed at significant frequency in large population cohorts (gnomAD); In silico analysis supports that this missense variant does not alter protein structure/function; Has not been previously published as pathogenic or benign to our knowledge